The following is an entry in ClinVar:

GRCh37/hg19 16p11.2(chr16:29567296-30240227)x3

Genes: ALDOA (aldolase, fructose-bisphosphate A; plus strand), ASPHD1 (aspartate beta-hydroxylase domain containing 1; plus strand), BOLA2B (bolA family member 2B; minus strand), C16orf54 (chromosome 16 open reading frame 54; minus strand), C16orf92 (chromosome 16 open reading frame 92; plus strand) and 25 more. Cytogenetic location: 16p11.2.
Variant type: copy number gain.
Change: copy number 3 (three copies instead of two) of chr16:29,567,296-30,240,227 (672.9 kb, GRCh37 coordinates, 1-based), cytogenetic band 16p11.2.
Identifiers: ClinVar variation 1808472 (VCV001808472.1).

ClinVar aggregate classification (germline): Pathogenic (1 of 4 stars; one submission).

Submission:

Quest Diagnostics Nichols Institute San Juan Capistrano
Classification: Pathogenic. Last evaluated: 2022-03-02. Review status: criteria provided, single submitter. Criteria: ACMG/ClinGen CNV Guidelines, 2019. Collection method: clinical testing. Allele origin: unknown.
Comment: The 16p11.2 gain involves several genes including TBX6 (OMIM 602427) and is associated with the proximal (BP4-BP5) 16p11.2 microduplication syndrome (OMIM 614671). Typical features include autism spectrum disorder, intellectual disability, and neuropsychiatric disorders such as attention deficit hyperactivity disorder (ADHD), and schizophrenia. Microcephaly and low body weight are additional common features (Redaelli et al., Int J Mol Sci. 2019 Mar 4;20(5). Pii: E1095. PMID: 30836598). Inheritance from a normal or mildly affected parent has been reported, suggesting incomplete penetrance and variable expressivity. See GeneReviews for additional information and references: ('Genetically Related (Allelic) Disorders').